The following is an entry in ClinVar:

ClinVar aggregate classification (germline): Likely pathogenic (1 of 4 stars; one submission).

Submission:

Labcorp Genetics (formerly Invitae), Labcorp
Classification: Likely pathogenic. Last evaluated: 2022-07-19. Review status: criteria provided, single submitter. Criteria: Invitae Variant Classification Sherloc (09022015). Collection method: clinical testing. Allele origin: germline.
Comment: Algorithms developed to predict the effect of sequence changes on RNA splicing suggest that this variant may disrupt the consensus splice site. This variant has not been reported in the literature in individuals affected with COL4A1-related conditions. This variant is not present in population databases (gnomAD no frequency). This sequence change affects an acceptor splice site in intron 1 of the COL4A1 gene. It is expected to disrupt RNA splicing. Variants that disrupt the donor or acceptor splice site typically lead to a loss of protein function (PMID: 16199547), and loss-of-function variants in COL4A1 are known to be pathogenic (PMID: 23225343). In summary, the currently available evidence indicates that the variant is pathogenic, but additional data are needed to prove that conclusively. Therefore, this variant has been classified as Likely Pathogenic.

Literature cited by the submitters: PubMed 16199547; PubMed 23225343.

NM_001845.6(COL4A1):c.85-2A>T

Gene: COL4A1 (collagen type IV alpha 1 chain; minus strand). Cytogenetic location: 13q34.
Variant type: single nucleotide variant.
Coding change: c.85-2A>T on transcript NM_001845.6 (MANE Select); the canonical splice acceptor site of the intron before coding-DNA position 85, A replaced by T.
Molecular consequence: splice acceptor variant.
Genome position (GRCh38, 1-based): chr13:110,242,736, T>A on the plus strand (A>T on the coding strand, the complement: COL4A1 is on the minus strand). VCF-style: chr13-110242736-T-A. GRCh37 (hg19) VCF-style: chr13-110895083-T-A.
Other names: c.85-2A>T (NM_001303110.2).
Identifiers: ClinVar variation 2018169 (VCV002018169.4), dbSNP rs2501683128, ClinGen allele CA388731606.
Genomic context (GRCh38, chr13:110,242,736, plus strand): 5'-TTTTGTCCCTTCACTCCATGGCAGTCACATTTGCCACAGCCAGAGCCAGCACAGCCACCC[T>A]GGAAGGAAAAGAAAACTTCTTTAAATAGAAGAACACTTTCAAAGCGAGGGCACTATGCAA-3'